The following is an entry in ClinVar:

ClinVar aggregate classification (germline): Uncertain significance. Review status: criteria provided, multiple submitters, no conflicts (2 of 4 stars). 4 submissions from 4 submitters: Uncertain significance (4). Last evaluated 2024-10-16.

Conditions:
Neutral 1 amino acid transport defect (HND). Also called: HARTNUP DISORDER; Hartnup disease. Identifiers: Orphanet 2116, MedGen C0018609, MONDO:0009324, OMIM 234500.

Allele frequency attached by ClinVar (database versions not stated): TOPMed 0.00003; gnomAD exomes 0.00007; ExAC 0.00010; gnomAD 0.00010; ESP Exome Variant Server 0.00015.
gnomAD v4.1: 120 of 1,614,022 alleles (0.0074%); highest among the groups gnomAD compares: Non-Finnish European, 0.009%; no homozygotes.

Submissions (4):

Labcorp Genetics (formerly Invitae), Labcorp
Classification: Uncertain significance. Last evaluated: 2024-10-16. Review status: criteria provided, single submitter. Criteria: Invitae Variant Classification Sherloc (09022015). Collection method: clinical testing. Allele origin: germline.
Comment: This sequence change replaces serine, which is neutral and polar, with leucine, which is neutral and non-polar, at codon 314 of the SLC6A19 protein (p.Ser314Leu). This variant is present in population databases (rs369804798, gnomAD 0.01%). This variant has not been reported in the literature in individuals affected with SLC6A19-related conditions. ClinVar contains an entry for this variant (Variation ID: 235212). Invitae Evidence Modeling of protein sequence and biophysical properties (such as structural, functional, and spatial information, amino acid conservation, physicochemical variation, residue mobility, and thermodynamic stability) has been performed for this missense variant. However, the output from this modeling did not meet the statistical confidence thresholds required to predict the impact of this variant on SLC6A19 protein function. In summary, the available evidence is currently insufficient to determine the role of this variant in disease. Therefore, it has been classified as a Variant of Uncertain Significance.

Fulgent Genetics
Classification: Uncertain significance for Neutral 1 amino acid transport defect. Last evaluated: 2024-05-08. Review status: criteria provided, single submitter. Criteria: ACMG Guidelines, 2015. Collection method: clinical testing. Allele origin: germline.

GeneDx
Classification: Uncertain significance. Last evaluated: 2020-05-27. Review status: criteria provided, single submitter. Criteria: GeneDx Variant Classification Process June 2021. Collection method: clinical testing. Allele origin: germline. Affected: yes.
Comment: In silico analysis supports that this missense variant has a deleterious effect on protein structure/function; Has not been previously published as pathogenic or benign to our knowledge

Center for Pediatric Genomic Medicine, Children's Mercy Hospital and Clinics
Classification: Uncertain significance. Last evaluated: 2016-01-11. Review status: criteria provided, single submitter. Criteria: ACMG Guidelines, 2015. Collection method: clinical testing. Allele origin: germline.
ClinVar note: Converted during submission from Uncertain Significance to Uncertain significance.

NM_001003841.3(SLC6A19):c.941C>T (p.Ser314Leu)

Gene: SLC6A19 (solute carrier family 6 member 19; plus strand). Cytogenetic location: 5p15.33.
Variant type: single nucleotide variant.
Coding change: c.941C>T on transcript NM_001003841.3 (MANE Select); coding-DNA position 941, C replaced by T.
Protein change: p.Ser314Leu; replaces serine 314 with leucine.
Molecular consequence: missense variant.
Genome position (GRCh38, 1-based): chr5:1,216,611, C>T. VCF-style: chr5-1216611-C-T. GRCh37 (hg19) VCF-style: chr5-1216726-C-T.
Other names: short protein forms S314L.
Identifiers: ClinVar variation 235212 (VCV000235212.12), dbSNP rs369804798, ClinGen allele CA3182960.
Genomic context (GRCh38, chr5:1,216,611, plus strand): 5'-TCTGCAGCAACAACTGCGAGAAGGACTCGGTGATTGTGTCCATCATCAACGGCTTCACAT[C>T]GGTGTATGTGGCCATCGTGGTCTACTCCGTCATTGGGTTCCGCGCCACACAGCGCTACGA-3'
Protein context (NP_001003841.1, residues 304-324): VIVSIINGFT[Ser314Leu]VYVAIVVYSV